The following is an entry in ClinVar:

ClinVar aggregate classification (germline): Pathogenic. Review status: criteria provided, multiple submitters, no conflicts (2 of 4 stars). 3 submissions from 3 submitters: Pathogenic (2). 1 of the submissions does not count toward it. Last evaluated 2025-07-23.

Conditions:
Dilated cardiomyopathy 1HH (CMD1HH). Identifiers: Orphanet 154, MedGen C3151293, MONDO:0013479, OMIM 613881.
Myofibrillar myopathy 6. Identifiers: Orphanet 199340, MedGen C2751831, MONDO:0013061, OMIM 612954.
Primary dilated cardiomyopathy (DCM). Also called: Dilated Cardiomyopathy. Identifiers: Orphanet 217604, MedGen C0007193, MeSH D002311, MONDO:0005021, HP:0001644. Inheritance: Various modes of inheritance.
Cardiovascular phenotype. Identifiers: MedGen CN230736.

Submissions (3):

Labcorp Genetics (formerly Invitae), Labcorp
Classification: Pathogenic for Dilated cardiomyopathy 1HH; Myofibrillar myopathy 6. Last evaluated: 2025-07-23. Review status: criteria provided, single submitter. Criteria: Invitae Variant Classification Sherloc (09022015). Collection method: clinical testing. Allele origin: germline.
Comment: This sequence change creates a premature translational stop signal (p.Pro87Cysfs*17) in the BAG3 gene. It is expected to result in an absent or disrupted protein product. Loss-of-function variants in BAG3 are known to be pathogenic (PMID: 21353195, 25008357). This variant is not present in population databases (gnomAD no frequency). This variant has not been reported in the literature in individuals affected with BAG3-related conditions. ClinVar contains an entry for this variant (Variation ID: 560609). For these reasons, this variant has been classified as Pathogenic.

Ambry Genetics
Classification: Pathogenic for Cardiovascular phenotype. Last evaluated: 2024-12-05. Review status: criteria provided, single submitter. Criteria: Ambry Variant Classification Scheme 2023. Collection method: clinical testing. Allele origin: germline.
Comment: The c.252_258dupTGTGTAC pathogenic mutation, located in coding exon 2 of the BAG3 gene, results from a duplication of TGTGTAC at nucleotide position 252, causing a translational frameshift with a predicted alternate stop codon (p.P87Cfs*17). This variant is considered to be rare based on population cohorts in the Genome Aggregation Database (gnomAD). This alteration is expected to result in loss of function by premature protein truncation or nonsense-mediated mRNA decay. As such, this alteration is interpreted as a disease-causing mutation.

Clinical Molecular Genetics Laboratory, Johns Hopkins All Children's Hospital
Classification: Pathogenic for Dilated cardiomyopathy. Last evaluated: 2017-03-31. Review status: no assertion criteria provided. Collection method: clinical testing. Allele origin: germline. Affected: yes. Not counted in ClinVar's aggregate classification.

Literature cited by the submitters: PubMed 21353195 (cited by Labcorp Genetics (formerly Invitae), Labcorp); PubMed 25008357 (cited by Labcorp Genetics (formerly Invitae), Labcorp).

NM_004281.4(BAG3):c.252_258dup (p.Pro87fs)

Gene: BAG3 (BAG cochaperone 3; plus strand). Cytogenetic location: 10q26.11.
Variant type: Duplication.
Coding change: c.252_258dup on transcript NM_004281.4 (MANE Select); coding-DNA positions 252 to 258, 7 bases duplicated (TGTGTAC; older notation c.252_258dupTGTGTAC).
Protein change: p.Pro87fs; shifts the reading frame from proline 87.
Molecular consequence: frameshift variant.
Genome position (GRCh38, 1-based): chr10:119,669,922-119,669,928, TGTGTAC duplicated; duplicating any 7 consecutive bases within chr10:119,669,921-119,669,928 gives the same sequence; the c. name uses the placement nearest the transcript's 3' end. VCF-style (leftmost placement, unchanged base first): chr10-119669920-C-CCTGTGTA. GRCh37 (hg19) VCF-style: chr10-121429432-C-CCTGTGTA.
Other names: c.252_258dupTGTGTAC (NM_004281.3); short protein forms P87fs.
Identifiers: ClinVar variation 560609 (VCV000560609.3), dbSNP rs1564773559, ClinGen allele CA658822531.